The following is an entry in ClinVar:

ClinVar aggregate classification (germline): Uncertain significance (1 of 4 stars; one submission).

Conditions:
Intellectual developmental disorder, X-linked, syndromic 14. Also called: Syndromic X-linked intellectual disability 14. Identifiers: Orphanet 776, MedGen C1970822, MONDO:0010398, OMIM 300676.

gnomAD v4.1: 3 of 1,212,470 alleles (0.00025%); highest among the groups gnomAD compares: Non-Finnish European, 0.00033%; no homozygotes.

Submission:

Labcorp Genetics (formerly Invitae), Labcorp
Classification: Uncertain significance for Intellectual developmental disorder, X-linked, syndromic 14. Last evaluated: 2024-02-06. Review status: criteria provided, single submitter. Criteria: Invitae Variant Classification Sherloc (09022015). Collection method: clinical testing. Allele origin: germline.
Comment: This sequence change falls in intron 1 of the UPF3B gene. It does not directly change the encoded amino acid sequence of the UPF3B protein. It affects a nucleotide within the consensus splice site. This variant is not present in population databases (gnomAD no frequency). This variant has not been reported in the literature in individuals affected with UPF3B-related conditions. Variants that disrupt the consensus splice site are a relatively common cause of aberrant splicing (PMID: 17576681, 9536098). Algorithms developed to predict the effect of sequence changes on RNA splicing suggest that this variant may disrupt the consensus splice site. In summary, the available evidence is currently insufficient to determine the role of this variant in disease. Therefore, it has been classified as a Variant of Uncertain Significance.

Literature cited by the submitters: PubMed 17576681; PubMed 9536098.

NM_080632.3(UPF3B):c.156+3G>T

Gene: UPF3B (UPF3B regulator of nonsense mediated mRNA decay; minus strand). Cytogenetic location: Xq24.
Variant type: single nucleotide variant.
Coding change: c.156+3G>T on transcript NM_080632.3 (MANE Select); 3 bases into the intron after coding-DNA position 156, G replaced by T.
Molecular consequence: intron variant.
Genome position (GRCh38, 1-based): chrX:119,852,770, C>A on the plus strand (G>T on the coding strand, the complement: UPF3B is on the minus strand). VCF-style: chrX-119852770-C-A. GRCh37 (hg19) VCF-style: chrX-118986733-C-A.
Other names: c.156+3G>T (NM_023010.4).
Identifiers: ClinVar variation 3639116 (VCV003639116.2).